The following is an entry in ClinVar:

NM_004738.5(VAPB):c.659T>G (p.Leu220Arg)

Gene: VAPB (VAMP associated protein B and C; plus strand). Cytogenetic location: 20q13.32.
Variant type: single nucleotide variant.
Coding change: c.659T>G on transcript NM_004738.5 (MANE Select); coding-DNA position 659, T replaced by G.
Protein change: p.Leu220Arg; replaces leucine 220 with arginine.
Molecular consequence: missense variant. On other transcripts: synonymous variant (1), non-coding transcript variant (1).
Genome position (GRCh38, 1-based): chr20:58,444,162, T>G. VCF-style: chr20-58444162-T-G. GRCh37 (hg19) VCF-style: chr20-57019218-T-G.
Other names: c.297T>G, p.Pro99= (NM_001195677.2); short protein forms L220R.
Identifiers: ClinVar variation 978521 (VCV000978521.9), dbSNP rs1989222839, ClinGen allele CA409440274.

ClinVar aggregate classification (germline): Uncertain significance (1 of 4 stars; one submission).

Conditions:
Amyotrophic lateral sclerosis type 8 (ALS8). Identifiers: Orphanet 803, MedGen C1837728, MONDO:0012077, OMIM 608627.
Adult-onset proximal spinal muscular atrophy, autosomal dominant. Also called: FINKEL LATE-ADULT TYPE SMA; Spinal muscular atrophy, late-onset, finkel type. Identifiers: Orphanet 209335, MedGen C1854058, MONDO:0008453, OMIM 182980.

Submission:

Labcorp Genetics (formerly Invitae), Labcorp
Classification: Uncertain significance for Adult-onset proximal spinal muscular atrophy, autosomal dominant; Amyotrophic lateral sclerosis type 8. Last evaluated: 2018-01-23. Review status: criteria provided, single submitter. Criteria: Invitae Variant Classification Sherloc (09022015). Collection method: clinical testing. Allele origin: germline.
Comment: In summary, the available evidence is currently insufficient to determine the role of this variant in disease. Therefore, it has been classified as a Variant of Uncertain Significance. Algorithms developed to predict the effect of missense changes on protein structure and function (SIFT, PolyPhen-2, Align-GVGD) all suggest that this variant is likely to be tolerated, but these predictions have not been confirmed by published functional studies and their clinical significance is uncertain. This variant has not been reported in the literature in individuals with VAPB-related disease. This variant is not present in population databases (ExAC no frequency). This sequence change replaces leucine with arginine at codon 220 of the VAPB protein (p.Leu220Arg). The leucine residue is moderately conserved and there is a moderate physicochemical difference between leucine and arginine.